The following is an entry in ClinVar:

NM_000726.5(CACNB4):c.54C>A (p.Pro18=)

Genes: CACNB4 (calcium voltage-gated channel auxiliary subunit beta 4; minus strand), LOC129934925 (ATAC-STARR-seq lymphoblastoid silent region 12010; plus strand). Cytogenetic location: 2q23.3.
Variant type: single nucleotide variant.
Coding change: c.54C>A on transcript NM_000726.5 (MANE Select); coding-DNA position 54, C replaced by A.
Protein change: p.Pro18=; no amino-acid change (proline 18 retained).
Molecular consequence: synonymous variant.
Genome position (GRCh38, 1-based): chr2:152,098,958, G>T on the plus strand (C>A on the coding strand, the complement: CACNB4 is on the minus strand). VCF-style: chr2-152098958-G-T. GRCh37 (hg19) VCF-style: chr2-152955472-G-T.
Other names: c.54C>A, p.Pro18= (NM_001145798.3).
Identifiers: ClinVar variation 381095 (VCV000381095.14), dbSNP rs373222155, ClinGen allele CA1912789.

ClinVar aggregate classification (germline): Benign/Likely benign. Review status: criteria provided, multiple submitters, no conflicts (2 of 4 stars). 5 submissions from 5 submitters: Benign (1); Likely benign (3). 1 of the submissions does not count toward it. Last evaluated 2022-01-06.

Conditions:
CACNB4-related disorder. Also called: CACNB4-Related Disorders; CACNB4-related condition.
Idiopathic generalized epilepsy. Also called: Generalised epilepsy; EIG. Identifiers: MedGen C0270850, MONDO:0005579, OMIM 600669.

Allele frequency attached by ClinVar (database versions not stated): ESP Exome Variant Server 0.00008; gnomAD exomes 0.00008; TOPMed 0.00017; gnomAD 0.00026; ExAC 0.00044; 1000 Genomes Project 30x 0.00047; 1000 Genomes Project 0.00060.
gnomAD v4.1: 69 of 1,522,480 alleles (0.0045%); highest among the groups gnomAD compares: African/African-American, 0.089%; no homozygotes.

Submissions (5):

Labcorp Genetics (formerly Invitae), Labcorp
Classification: Likely benign for Idiopathic generalized epilepsy. Last evaluated: 2022-01-06. Review status: criteria provided, single submitter. Criteria: Invitae Variant Classification Sherloc (09022015). Collection method: clinical testing. Allele origin: germline.

Blueprint Genetics
Classification: Likely benign. Last evaluated: 2021-12-09. Review status: criteria provided, single submitter. Criteria: ACMG Guidelines, 2015. Collection method: clinical testing. Allele origin: germline.

Athena Diagnostics
Classification: Benign. Last evaluated: 2019-02-15. Review status: criteria provided, single submitter. Criteria: Athena Diagnostics Criteria. Collection method: clinical testing. Allele origin: germline.

GeneDx
Classification: Likely benign. Last evaluated: 2015-11-02. Review status: criteria provided, single submitter. Criteria: GeneDx Variant Classification (06012015). Collection method: clinical testing. Allele origin: germline. Affected: yes.
Comment: This variant is considered likely benign or benign based on one or more of the following criteria: it is a conservative change, it occurs at a poorly conserved position in the protein, it is predicted to be benign by multiple in silico algorithms, and/or has population frequency not consistent with disease.

PreventionGenetics, part of Exact Sciences
Classification: Likely benign for CACNB4-related condition. Last evaluated: 2019-07-18. Review status: no assertion criteria provided. Collection method: clinical testing. Allele origin: germline. Not counted in ClinVar's aggregate classification.
Comment: This variant is classified as likely benign based on ACMG/AMP sequence variant interpretation guidelines (Richards et al. 2015 PMID: 25741868, with internal and published modifications).